The following is an entry in ClinVar:

ClinVar aggregate classification (germline): Likely benign. Review status: criteria provided, multiple submitters, no conflicts (2 of 4 stars). 3 submissions from 3 submitters: Likely benign (3). Last evaluated 2025-02-16.

Conditions:
Familial temporal lobe epilepsy 7. Identifiers: Orphanet 101046, MedGen C4225327, MONDO:0014639, OMIM 616436.
Norman-Roberts syndrome (LIS2). Also called: Lissencephaly 2 (Norman-Roberts type). Identifiers: Orphanet 89844, MedGen C0796089, MONDO:0009760, OMIM 257320.

Allele frequency attached by ClinVar (database versions not stated): gnomAD exomes below 0.00001; ExAC 0.00001; gnomAD 0.00002; TOPMed 0.00002.
gnomAD v4.1: 22 of 1,613,616 alleles (0.0014%); highest among the groups gnomAD compares: Non-Finnish European, 0.0018%; no homozygotes.

Submissions (3):

Laboratory of Genetics, Children's Clinical University Hospital Latvia
Classification: Likely benign. Last evaluated: 2025-02-16. Review status: criteria provided, single submitter. Criteria: ACMG Guidelines, 2015. Collection method: clinical testing. Allele origin: germline. Affected: yes.

Labcorp Genetics (formerly Invitae), Labcorp
Classification: Likely benign for Familial temporal lobe epilepsy 7; Norman-Roberts syndrome. Last evaluated: 2024-10-30. Review status: criteria provided, single submitter. Criteria: Invitae Variant Classification Sherloc (09022015). Collection method: clinical testing. Allele origin: germline.

CeGaT Center for Human Genetics Tuebingen
Classification: Likely benign. Last evaluated: 2023-05-01. Review status: criteria provided, single submitter. Criteria: CeGaT Center For Human Genetics Tuebingen Variant Classification Criteria Version 2. Collection method: clinical testing. Allele origin: germline. Affected: yes. Observed: 1 variant allele.
Comment: RELN: BP4, BP7

NM_005045.4(RELN):c.5013C>A (p.Gly1671=)

Gene: RELN (reelin; minus strand). Cytogenetic location: 7q22.1.
Variant type: single nucleotide variant.
Coding change: c.5013C>A on transcript NM_005045.4 (MANE Select); coding-DNA position 5013, C replaced by A.
Protein change: p.Gly1671=; no amino-acid change (glycine 1671 retained).
Molecular consequence: synonymous variant.
Genome position (GRCh38, 1-based): chr7:103,565,475, G>T on the plus strand (C>A on the coding strand, the complement: RELN is on the minus strand). VCF-style: chr7-103565475-G-T. GRCh37 (hg19) VCF-style: chr7-103205922-G-T.
Other names: c.5013C>A, p.Gly1671= (NM_173054.3).
Identifiers: ClinVar variation 762116 (VCV000762116.35), dbSNP rs758902738, ClinGen allele CA4421342.